The following is an entry in ClinVar:

NM_006516.4(SLC2A1):c.1150G>A (p.Gly384Ser)

Gene: SLC2A1 (solute carrier family 2 member 1; minus strand). Cytogenetic location: 1p34.2.
Variant type: single nucleotide variant.
Coding change: c.1150G>A on transcript NM_006516.4 (MANE Select); coding-DNA position 1150, G replaced by A.
Protein change: p.Gly384Ser; replaces glycine 384 with serine.
Molecular consequence: missense variant.
Genome position (GRCh38, 1-based): chr1:42,927,733, C>T on the plus strand (G>A on the coding strand, the complement: SLC2A1 is on the minus strand). VCF-style: chr1-42927733-C-T. GRCh37 (hg19) VCF-style: chr1-43393404-C-T.
Other names: short protein forms G384S.
Identifiers: ClinVar variation 4056330 (VCV004056330.1).

ClinVar aggregate classification (germline): Uncertain significance (1 of 4 stars; one submission).

Conditions:
Epilepsy, idiopathic generalized, susceptibility to, 12 (EIG12). Identifiers: MedGen C3553859, MONDO:0013919, OMIM 614847.

Submission:

Institute of Human Genetics, University of Leipzig Medical Center
Classification: Uncertain significance for Epilepsy, idiopathic generalized, susceptibility to, 12. Last evaluated: 2025-06-26. Review status: criteria provided, single submitter. Criteria: ACMG Guidelines, 2015. Collection method: clinical testing. Allele origin: unknown. Affected: yes.
Comment: Criteria applied: PM2,PP2,PP3